The following is an entry in ClinVar:

ClinVar aggregate classification (germline): Conflicting classifications of pathogenicity. Review status: criteria provided, conflicting classifications (1 of 4 stars). 3 submissions from 3 submitters: Uncertain significance (1); Likely benign (2). Last evaluated 2026-02-23.

Conditions:
Hypertrophic cardiomyopathy 26. Also called: Cardiomyopathy, familial hypertrophic, 26. Identifiers: Orphanet 75249, MedGen C4310749, MONDO:0014883, OMIM 617047.
Distal myopathy with posterior leg and anterior hand involvement. Also called: WILLIAMS DISTAL MYOPATHY. Identifiers: Orphanet 63273, MedGen C3279722, MONDO:0013550, OMIM 614065.
Myofibrillar myopathy 5. Also called: Filaminopathy (type); FILAMINOPATHY, AUTOSOMAL DOMINANT. Identifiers: Orphanet 171445, MedGen C1836050, MONDO:0012289, OMIM 609524.
Cardiomyopathy (CMYO). Also called: Cardiomyopathies. Identifiers: Orphanet 167848, MedGen C0878544, MONDO:0004994, HP:0001638. Inheritance: Various modes of inheritance.
FLNC-related disorder. Also called: FLNC-related disorders; FLNC-related condition.

Allele frequency attached by ClinVar (database versions not stated): gnomAD exomes 0.00001 and 0.00003; ExAC 0.00005; gnomAD 0.00006 and 0.00009; ESP Exome Variant Server 0.00008; TOPMed 0.00014.
gnomAD v4.1: 21 of 1,613,966 alleles (0.0013%); highest among the groups gnomAD compares: African/African-American, 0.027%; no homozygotes.

Submissions (3):

PreventionGenetics, part of Exact Sciences
Classification: Likely benign for FLNC-related condition. Last evaluated: 2026-02-23. Review status: criteria provided, single submitter. Criteria: ACMG Guidelines, 2015. Collection method: clinical testing. Allele origin: germline.
Comment: This variant is classified as likely benign based on ACMG/AMP sequence variant interpretation guidelines (Richards et al. 2015 PMID: 25741868, with internal and published modifications).

Labcorp Genetics (formerly Invitae), Labcorp
Classification: Likely benign for Distal myopathy with posterior leg and anterior hand involvement; Myofibrillar myopathy 5; Hypertrophic cardiomyopathy 26. Last evaluated: 2025-11-24. Review status: criteria provided, single submitter. Criteria: Invitae Variant Classification Sherloc (09022015). Collection method: clinical testing. Allele origin: germline.

CHEO Genetics Diagnostic Laboratory, Children's Hospital of Eastern Ontario
Classification: Uncertain significance for Cardiomyopathy. Last evaluated: 2023-06-21. Review status: criteria provided, single submitter. Criteria: ACMG Guidelines, 2015. Collection method: clinical testing. Allele origin: germline.

NM_001458.5(FLNC):c.4951+7G>A

Gene: FLNC (filamin C; plus strand). Cytogenetic location: 7q32.1.
Variant type: single nucleotide variant.
Coding change: c.4951+7G>A on transcript NM_001458.5 (MANE Select); 7 bases into the intron after coding-DNA position 4951, G replaced by A.
Molecular consequence: intron variant.
Genome position (GRCh38, 1-based): chr7:128,849,211, G>A. VCF-style: chr7-128849211-G-A. GRCh37 (hg19) VCF-style: chr7-128489265-G-A.
Other names: c.4951+7G>A (NM_001127487.2).
Identifiers: ClinVar variation 539489 (VCV000539489.14), dbSNP rs370501464, ClinGen allele CA4475509.